The following is an entry in ClinVar:

NM_022835.3(PLEKHG2):c.2308G>A (p.Ala770Thr)

Gene: PLEKHG2 (pleckstrin homology and RhoGEF domain containing G2; plus strand). Cytogenetic location: 19q13.2.
Variant type: single nucleotide variant.
Coding change: c.2308G>A on transcript NM_022835.3 (MANE Select); coding-DNA position 2308, G replaced by A.
Protein change: p.Ala770Thr; replaces alanine 770 with threonine.
Molecular consequence: missense variant. On other transcripts: intron variant (1).
Genome position (GRCh38, 1-based): chr19:39,423,362, G>A. VCF-style: chr19-39423362-G-A. GRCh37 (hg19) VCF-style: chr19-39914002-G-A.
Other names: c.2131G>A, p.Ala711Thr (NM_001351693.2); c.1677+1074G>A (NM_001351694.2); short protein forms A770T, A711T.
Identifiers: ClinVar variation 445975 (VCV000445975.54), dbSNP rs111487768, ClinGen allele CA9429744.

ClinVar aggregate classification (germline): Benign/Likely benign. Review status: criteria provided, multiple submitters, no conflicts (2 of 4 stars). 3 submissions from 3 submitters: Benign (1); Likely benign (2). Last evaluated 2026-09-01.

Allele frequency attached by ClinVar (database versions not stated): 1000 Genomes Project 30x 0.00468; 1000 Genomes Project 0.00479; TOPMed 0.00613; gnomAD 0.00621 and 0.00638; gnomAD exomes 0.00630 and 0.00896; ExAC 0.00661; ESP Exome Variant Server 0.00831.
gnomAD v4.1: 13,982 of 1,613,334 alleles (0.87%); highest among the groups gnomAD compares: Non-Finnish European, 1%; 84 homozygotes.

Submissions (3):

CeGaT Center for Human Genetics Tuebingen
Classification: Benign. Last evaluated: 2026-09-01. Review status: criteria provided, single submitter. Criteria: CeGaT Center For Human Genetics Tuebingen Variant Classification Criteria Version 2. Collection method: clinical testing. Allele origin: germline. Affected: yes. Observed: 20 variant alleles.
Comment: PLEKHG2: BS1, BS2

Labcorp Genetics (formerly Invitae), Labcorp
Classification: Likely benign. Last evaluated: 2026-01-28. Review status: criteria provided, single submitter. Criteria: Invitae Variant Classification Sherloc (09022015). Collection method: clinical testing. Allele origin: germline.

Center for Pediatric Genomic Medicine, Children's Mercy Hospital and Clinics
Classification: Likely benign. Last evaluated: 2017-06-19. Review status: criteria provided, single submitter. Criteria: ACMG Guidelines, 2015. Collection method: clinical testing. Allele origin: germline.